The following is an entry in ClinVar:

NM_003200.5(TCF3):c.254A>C (p.His85Pro)

Gene: TCF3 (transcription factor 3; minus strand). Cytogenetic location: 19p13.3.
Variant type: single nucleotide variant.
Coding change: c.254A>C on transcript NM_003200.5 (MANE Select); coding-DNA position 254, A replaced by C.
Protein change: p.His85Pro; replaces histidine 85 with proline.
Molecular consequence: missense variant.
Genome position (GRCh38, 1-based): chr19:1,632,082, T>G on the plus strand (A>C on the coding strand, the complement: TCF3 is on the minus strand). VCF-style: chr19-1632082-T-G. GRCh37 (hg19) VCF-style: chr19-1632081-T-G.
Other names: c.254A>C, p.His85Pro (NM_001136139.4, NM_001351778.2, NM_001351779.2); short protein forms H85P.
Identifiers: ClinVar variation 2889060 (VCV002889060.3), dbSNP rs374558465, ClinGen allele CA9050517.
Genomic context (GRCh38, chr19:1,632,082, plus strand): 5'-CAGGCCAGGCACTCACCTCCGAGTCCCGGTCCCAGGAATGTGGATGAAGAGAGGCTGCTG[T>G]GCGACTCAGTGAAGTGGGTGCCCTCGCTGAAGGTCTAGGGGAGATGGGGTGGGGATGAGA-3'
Protein context (NP_003191.1, residues 75-95): FSEGTHFTES[His85Pro]SSLSSSTFLG

ClinVar aggregate classification (germline): Uncertain significance (1 of 4 stars; one submission).

Allele frequency attached by ClinVar (database versions not stated): TOPMed 0.00001; gnomAD 0.00003; 1000 Genomes Project 30x 0.00016; 1000 Genomes Project 0.00020.
gnomAD v4.1: 18 of 1,613,360 alleles (0.0011%); highest among the groups gnomAD compares: East Asian, 0.033%; no homozygotes.

Submission:

Labcorp Genetics (formerly Invitae), Labcorp
Classification: Uncertain significance. Last evaluated: 2024-01-22. Review status: criteria provided, single submitter. Criteria: Invitae Variant Classification Sherloc (09022015). Collection method: clinical testing. Allele origin: germline.
Comment: This sequence change replaces histidine, which is basic and polar, with proline, which is neutral and non-polar, at codon 85 of the TCF3 protein (p.His85Pro). This variant is present in population databases (rs374558465, gnomAD 0.06%). This variant has not been reported in the literature in individuals affected with TCF3-related conditions. Advanced modeling of protein sequence and biophysical properties (such as structural, functional, and spatial information, amino acid conservation, physicochemical variation, residue mobility, and thermodynamic stability) performed at Invitae indicates that this missense variant is not expected to disrupt TCF3 protein function with a negative predictive value of 80%. In summary, the available evidence is currently insufficient to determine the role of this variant in disease. Therefore, it has been classified as a Variant of Uncertain Significance.